The following is an entry in ClinVar:

ClinVar aggregate classification (germline): Pathogenic/Likely pathogenic. Review status: criteria provided, multiple submitters, no conflicts (2 of 4 stars). 4 submissions from 4 submitters: Pathogenic (1); Likely pathogenic (3). Last evaluated 2025-08-15.

Conditions:
Pulmonary hypertension, neonatal, susceptibility to (PHN). Identifiers: MedGen C3714958, MONDO:0014151, OMIM 615371.
Congenital hyperammonemia, type I. Also called: Carbamoyl phosphate synthetase I deficiency disease; Carbamoyl phosphate synthetase 1 deficiency; Hyperammonemia due to carbamoyl phosphate synthetase 1 deficiency; CPS 1 deficiency; Carbamyl phosphate synthetase (CPS) deficiency; Carbamoyl-phosphate synthase I deficiency. Identifiers: Orphanet 147, MedGen C4082171, MONDO:0009376, OMIM 237300.

Allele frequency attached by ClinVar (database versions not stated): gnomAD exomes below 0.00001; TOPMed below 0.00001; gnomAD 0.00001.
gnomAD v4.1: 4 of 1,612,138 alleles (0.00025%); highest among the groups gnomAD compares: Non-Finnish European, 0.00034%; no homozygotes.

Submissions (4):

Natera, Inc.
Classification: Likely pathogenic for Carbamoyl-phosphate synthase I deficiency. Last evaluated: 2025-08-15. Review status: criteria provided, single submitter. Criteria: Natera Variant Classification Schema (03/2026). Collection method: clinical testing. Allele origin: germline.
Comment: The c.1932T>A variant in CPS1 is a nonsense variant predicted to introduce a stop codon at amino acid 644. This variant is expected to result in nonsense mediated decay, truncation, or a dysfunctional protein product. This variant is rare in the general population with a frequency below the threshold expected for the associated phenotype(s). Given the available evidence, this variant is classified as Likely Pathogenic.

Labcorp Genetics (formerly Invitae), Labcorp
Classification: Pathogenic for Congenital hyperammonemia, type I. Last evaluated: 2023-06-02. Review status: criteria provided, single submitter. Criteria: Invitae Variant Classification Sherloc (09022015). Collection method: clinical testing. Allele origin: germline.
Comment: For these reasons, this variant has been classified as Pathogenic. ClinVar contains an entry for this variant (Variation ID: 984186). This variant has not been reported in the literature in individuals affected with CPS1-related conditions. This variant is not present in population databases (gnomAD no frequency). This sequence change creates a premature translational stop signal (p.Cys644*) in the CPS1 gene. It is expected to result in an absent or disrupted protein product. Loss-of-function variants in CPS1 are known to be pathogenic (PMID: 21120950).

Baylor Genetics
Classification: Likely pathogenic for Pulmonary hypertension, neonatal, susceptibility to. Last evaluated: 2023-05-24. Review status: criteria provided, single submitter. Criteria: ACMG Guidelines, 2015. Collection method: clinical testing. Allele origin: unknown.

Myriad Genetics, Inc.
Classification: Likely pathogenic for Congenital hyperammonemia, type I. Last evaluated: 2019-06-26. Review status: criteria provided, single submitter. Criteria: Myriad Women's Health Autosomal Recessive and X-Linked Classification Criteria (2019). Collection method: clinical testing. Allele origin: unknown.
Comment: NM_001875.4(CPS1):c.1932T>A(C644*) is expected to be pathogenic in the context of carbamoylphosphate synthetase I deficiency. This variant is predicted to lead to an abnormal or absent protein product due to the creation of a premature termination codon in CPS1, a gene where loss-of-function variants are known to be pathogenic. Please note: this variant was assessed in the context of healthy population screening.

Literature cited by the submitters: PubMed 21120950 (cited by Labcorp Genetics (formerly Invitae), Labcorp).

NM_001875.5(CPS1):c.1932T>A (p.Cys644Ter)

Gene: CPS1 (carbamoyl-phosphate synthase 1; plus strand). Cytogenetic location: 2q34.
Variant type: single nucleotide variant.
Coding change: c.1932T>A on transcript NM_001875.5 (MANE Select); coding-DNA position 1932, T replaced by A.
Protein change: p.Cys644Ter; replaces cysteine 644 with a stop codon.
Molecular consequence: nonsense. On other transcripts: non-coding transcript variant (2).
Genome position (GRCh38, 1-based): chr2:210,605,197, T>A. VCF-style: chr2-210605197-T-A. GRCh37 (hg19) VCF-style: chr2-211469921-T-A.
Other names: c.1932T>A, p.Cys644Ter (NM_001122633.3, NM_001369257.1); c.1965T>A, p.Cys655Ter (NM_001369256.1); c.1932T>A (NM_001875.4); short protein forms C644*, C655*.
Identifiers: ClinVar variation 984186 (VCV000984186.9), dbSNP rs1251623714, ClinGen allele CA350438071.